The following is an entry in ClinVar:

ClinVar aggregate classification (germline): Uncertain significance (1 of 4 stars; one submission).

Conditions:
Gastrointestinal stromal tumor. Also called: Gastrointestinal stromal tumor, somatic; Gastrointestinal stroma tumor. Identifiers: Orphanet 44890, MedGen C0238198, MeSH D046152, MONDO:0011719, OMIM 606764, HP:0100723.

Allele frequency attached by ClinVar (database versions not stated): gnomAD exomes below 0.00001.
gnomAD v4.1: 1 of 1,579,486 alleles (0.000063%); highest among the groups gnomAD compares: East Asian, 0.0022%; no homozygotes.

Submission:

Labcorp Genetics (formerly Invitae), Labcorp
Classification: Uncertain significance for Gastrointestinal stromal tumor. Last evaluated: 2023-07-28. Review status: criteria provided, single submitter. Criteria: Invitae Variant Classification Sherloc (09022015). Collection method: clinical testing. Allele origin: germline.
Comment: This variant has not been reported in the literature in individuals affected with KIT-related conditions. In summary, the available evidence is currently insufficient to determine the role of this variant in disease. Therefore, it has been classified as a Variant of Uncertain Significance. Variants that disrupt the consensus splice site are a relatively common cause of aberrant splicing (PMID: 17576681, 9536098). Algorithms developed to predict the effect of sequence changes on RNA splicing suggest that this variant may disrupt the consensus splice site. ClinVar contains an entry for this variant (Variation ID: 1022702). This variant is not present in population databases (gnomAD no frequency). This sequence change falls in intron 20 of the KIT gene. It does not directly change the encoded amino acid sequence of the KIT protein. It affects a nucleotide within the consensus splice site.

Literature cited by the submitters: PubMed 17576681; PubMed 9536098.

NM_000222.3(KIT):c.2802+5G>A

Gene: KIT (KIT proto-oncogene, receptor tyrosine kinase; plus strand). Cytogenetic location: 4q12.
Variant type: single nucleotide variant.
Coding change: c.2802+5G>A on transcript NM_000222.3 (MANE Select); 5 bases into the intron after coding-DNA position 2802, G replaced by A.
Molecular consequence: intron variant.
Genome position (GRCh38, 1-based): chr4:54,737,285, G>A. VCF-style: chr4-54737285-G-A. GRCh37 (hg19) VCF-style: chr4-55603451-G-A.
Other names: c.2805+5G>A (NM_001385284.1); c.2802+5G>A (NM_001385290.1); c.2793+5G>A (NM_001385288.1); c.2790+5G>A (NM_001385292.1, NM_001093772.2); c.2799+5G>A (NM_001385285.1); c.2787+5G>A (NM_001385286.1).
Identifiers: ClinVar variation 1022702 (VCV001022702.7), dbSNP rs1722975877, ClinGen allele CA1458748090.